The following is an entry in ClinVar:

NM_005859.5(PURA):c.233A>G (p.Lys78Arg)

Gene: PURA (purine rich element binding protein A; plus strand). Cytogenetic location: 5q31.3.
Variant type: single nucleotide variant.
Coding change: c.233A>G on transcript NM_005859.5 (MANE Select); coding-DNA position 233, A replaced by G.
Protein change: p.Lys78Arg; replaces lysine 78 with arginine.
Molecular consequence: missense variant.
Genome position (GRCh38, 1-based): chr5:140,114,414, A>G. VCF-style: chr5-140114414-A-G. GRCh37 (hg19) VCF-style: chr5-139493999-A-G.
Other names: short protein forms K78R.
Identifiers: ClinVar variation 3647000 (VCV003647000.2).

ClinVar aggregate classification (germline): Uncertain significance (1 of 4 stars; one submission).

Conditions:
PURA-related severe neonatal hypotonia-seizures-encephalopathy syndrome (NEDRIHF). Also called: PURA-Related Neurodevelopmental Disorders; NEURODEVELOPMENTAL DISORDER WITH NEONATAL RESPIRATORY INSUFFICIENCY, HYPOTONIA, AND FEEDING DIFFICULTIES. Identifiers: Orphanet 438213, Orphanet 438216, MedGen C4015357, MONDO:1060108, OMIM 616158, MONDO:0018580.

Submission:

Labcorp Genetics (formerly Invitae), Labcorp
Classification: Uncertain significance for PURA-related severe neonatal hypotonia-seizures-encephalopathy syndrome. Last evaluated: 2024-03-20. Review status: criteria provided, single submitter. Criteria: Invitae Variant Classification Sherloc (09022015). Collection method: clinical testing. Allele origin: germline.
Comment: This sequence change replaces lysine, which is basic and polar, with arginine, which is basic and polar, at codon 78 of the PURA protein (p.Lys78Arg). This variant is not present in population databases (gnomAD no frequency). This variant has not been reported in the literature in individuals affected with PURA-related conditions. Advanced modeling of protein sequence and biophysical properties (such as structural, functional, and spatial information, amino acid conservation, physicochemical variation, residue mobility, and thermodynamic stability) has been performed at Invitae for this missense variant, however the output from this modeling did not meet the statistical confidence thresholds required to predict the impact of this variant on PURA protein function. In summary, the available evidence is currently insufficient to determine the role of this variant in disease. Therefore, it has been classified as a Variant of Uncertain Significance.